The following is an entry in ClinVar:

NM_000593.6(TAP1):c.782A>C (p.Gln261Pro)

Gene: TAP1 (transporter 1, ATP binding cassette subfamily B member; minus strand). Cytogenetic location: 6p21.32.
Variant type: single nucleotide variant.
Coding change: c.782A>C on transcript NM_000593.6 (MANE Select); coding-DNA position 782, A replaced by C.
Protein change: p.Gln261Pro; replaces glutamine 261 with proline.
Molecular consequence: missense variant.
Genome position (GRCh38, 1-based): chr6:32,852,171, T>G on the plus strand (A>C on the coding strand, the complement: TAP1 is on the minus strand). VCF-style: chr6-32852171-T-G. GRCh37 (hg19) VCF-style: chr6-32819948-T-G.
Other names: c.962A>C (NM_000593.5); c.179A>C, p.Gln60Pro (NM_001292022.2); short protein forms Q261P, Q60P.
Identifiers: ClinVar variation 1005341 (VCV001005341.8), dbSNP rs143954070, ClinGen allele CA3746930.

ClinVar aggregate classification (germline): Uncertain significance. Review status: criteria provided, multiple submitters, no conflicts (2 of 4 stars). 2 submissions from 2 submitters: Uncertain significance (2). Last evaluated 2024-12-09.

Conditions:
MHC class I deficiency. Identifiers: Orphanet 34592, MedGen C6024714, MONDO:0011476.
Inborn genetic diseases. Identifiers: MedGen C0950123, MeSH D030342.

Allele frequency attached by ClinVar (database versions not stated): gnomAD exomes 0.00003 and 0.00009; 1000 Genomes Project 0.00020; TOPMed 0.00034; ESP Exome Variant Server 0.00036; gnomAD 0.00046 and 0.00044; ExAC 0.00013; 1000 Genomes Project 30x 0.00016.
gnomAD v4.1: 107 of 1,613,000 alleles (0.0066%); highest among the groups gnomAD compares: African/African-American, 0.13%; no homozygotes.

Submissions (2):

Labcorp Genetics (formerly Invitae), Labcorp
Classification: Uncertain significance for MHC class I deficiency 1. Last evaluated: 2024-12-09. Review status: criteria provided, single submitter. Criteria: Invitae Variant Classification Sherloc (09022015). Collection method: clinical testing. Allele origin: germline.
Comment: This sequence change replaces glutamine, which is neutral and polar, with proline, which is neutral and non-polar, at codon 321 of the TAP1 protein (p.Gln321Pro). This variant is present in population databases (rs143954070, gnomAD 0.2%). This variant has not been reported in the literature in individuals affected with TAP1-related conditions. ClinVar contains an entry for this variant (Variation ID: 1005341). An algorithm developed to predict the effect of missense changes on protein structure and function (PolyPhen-2) suggests that this variant is likely to be disruptive. In summary, the available evidence is currently insufficient to determine the role of this variant in disease. Therefore, it has been classified as a Variant of Uncertain Significance.

Ambry Genetics
Classification: Uncertain significance for Inborn genetic diseases. Last evaluated: 2023-02-15. Review status: criteria provided, single submitter. Criteria: Ambry Variant Classification Scheme 2023. Collection method: clinical testing. Allele origin: germline.